The following is an entry in ClinVar:

ClinVar aggregate classification (germline): Likely pathogenic (1 of 4 stars; one submission).

Conditions:
Hereditary cancer-predisposing syndrome. Also called: Neoplastic Syndromes, Hereditary; Tumor predisposition; Hereditary neoplastic syndrome; Hereditary Cancer Syndrome. Identifiers: Orphanet 140162, MedGen C0027672, MeSH D009386, MONDO:0015356.

Submission:

Ambry Genetics
Classification: Likely pathogenic for Hereditary cancer-predisposing syndrome. Last evaluated: 2022-12-22. Review status: criteria provided, single submitter. Criteria: Ambry Variant Classification Scheme 2023. Collection method: clinical testing. Allele origin: germline.
Comment: The c.1826_1827insALU likely pathogenic variant results from an Alu element insertion located in coding exon 4 of the MSH6 gene. Alu element insertions have been shown to contribute to pathogenicity by either disrupting a coding region or a splice signal; however, direct evidence is insufficient at this time (Ambry internal data; Belancio VP et al. Semin. Cancer Biol. 2010 Aug;20:200-10; Deininger P. Genome Biol. 2011 Dec;12:236). Alu element insertions in MSH6 have been reported in patients suspected to have Hereditary Non-Polyposis Colorectal Cancer syndrome (Plaschke J et al. J. Med. Genet. 2003 Aug;40:597-600; van der Klift H et al. Genes Chromosomes Cancer. 2005 Oct;44:123-38). Based on the majority of available evidence to date, this variant is likely to be pathogenic.

NM_000179.2:c.1826_1827insALU

Gene: MSH6 (mutS homolog 6; plus strand).
Variant type: Insertion.
Identifiers: ClinVar variation 2453173 (VCV002453173.2).